The following is an entry in ClinVar:

ClinVar aggregate classification (germline): Uncertain significance (1 of 4 stars; one submission).

gnomAD v4.1: 4 of 1,551,482 alleles (0.00026%); highest among the groups gnomAD compares: South Asian, 0.0036%; no homozygotes.

Submission:

Labcorp Genetics (formerly Invitae), Labcorp
Classification: Uncertain significance. Last evaluated: 2023-10-02. Review status: criteria provided, single submitter. Criteria: Invitae Variant Classification Sherloc (09022015). Collection method: clinical testing. Allele origin: germline.
Comment: This sequence change replaces arginine, which is basic and polar, with proline, which is neutral and non-polar, at codon 3 of the FTO protein (p.Arg3Pro). This variant is present in population databases (no rsID available, gnomAD 0.004%). This variant has not been reported in the literature in individuals affected with FTO-related conditions. An algorithm developed to predict the effect of missense changes on protein structure and function (PolyPhen-2) suggests that this variant is likely to be disruptive. In summary, the available evidence is currently insufficient to determine the role of this variant in disease. Therefore, it has been classified as a Variant of Uncertain Significance.

NM_001080432.3(FTO):c.8G>C (p.Arg3Pro)

Gene: FTO (FTO alpha-ketoglutarate dependent dioxygenase; plus strand). Cytogenetic location: 16q12.2.
Variant type: single nucleotide variant.
Coding change: c.8G>C on transcript NM_001080432.3 (MANE Select); coding-DNA position 8, G replaced by C.
Protein change: p.Arg3Pro; replaces arginine 3 with proline.
Molecular consequence: missense variant.
Genome position (GRCh38, 1-based): chr16:53,704,192, G>C. VCF-style: chr16-53704192-G-C. GRCh37 (hg19) VCF-style: chr16-53738104-G-C.
Other names: c.8G>C, p.Arg3Pro (NM_001363891.2, NM_001363894.2, NM_001363896.2 and 7 more transcripts); c.-685G>C (NM_001363905.2); short protein forms R3P.
Identifiers: ClinVar variation 2806123 (VCV002806123.3), dbSNP rs1161946063, ClinGen allele CA395927468.
Genomic context (GRCh38, chr16:53,704,192, plus strand): 5'-CAGGGCGAGGGATCTACGCAGCTTGCGGTGGCGAAGGCGGCTTTAGTGGCAGCATGAAGC[G>C]CACCCCGACTGCCGAGGAACGAGAGCGCGAAGCTAAGGTATGTCGGGCTCCCGGGGCCTG-3'
Protein context (NP_001073901.1, residues 1-13): MK[Arg3Pro]TPTAEERERE